The following is an entry in ClinVar:

ClinVar aggregate classification (germline): Uncertain significance (1 of 4 stars; one submission).

Conditions:
Neurodevelopmental disorder with epilepsy, spasticity, and brain atrophy. Identifiers: MedGen C5394027, MONDO:0032894, OMIM 618741.

Submission:

Neuberg Centre For Genomic Medicine, NCGM
Classification: Uncertain significance for Neurodevelopmental disorder with epilepsy, spasticity, and brain atrophy. Last evaluated: 2023-07-22. Review status: criteria provided, single submitter. Criteria: ACMG Guidelines, 2015. Collection method: clinical testing. Allele origin: germline. Inheritance: Autosomal recessive inheritance. Affected: yes.
Comment: The missense variant c.124C>G p.Leu42Val in the TRAPPC4 gene has not been reported previously as a pathogenic variant nor as a benign variant, to our knowledge. This variant is absent in the gnomAD Exomes. The amino acid Leucine at position 42 is changed to a Valine changing protein sequence and it might alter its composition and physico-chemical properties. Computational evidence Polyphen, SIFT and MutationTaster predicts conflicting evidence on protein structure and function for this variant. The amino acid change p.Leu42Val in TRAPPC4 is predicted as conserved by GERP++ and PhyloP across 100 vertebrates. For these reasons, this variant has been classified as Uncertain Significance.

NM_016146.6(TRAPPC4):c.124C>G (p.Leu42Val)

Gene: TRAPPC4 (trafficking protein particle complex subunit 4; plus strand). Cytogenetic location: 11q23.3.
Variant type: single nucleotide variant.
Coding change: c.124C>G on transcript NM_016146.6 (MANE Select); coding-DNA position 124, C replaced by G.
Protein change: p.Leu42Val; replaces leucine 42 with valine.
Molecular consequence: missense variant. On other transcripts: 5 prime UTR variant (2).
Genome position (GRCh38, 1-based): chr11:119,018,919, C>G. VCF-style: chr11-119018919-C-G. GRCh37 (hg19) VCF-style: chr11-118889629-C-G.
Other names: c.-91C>G (NM_001318486.2); c.124C>G, p.Leu42Val (NM_001318488.2, NM_001318489.2, NM_001318490.2 and 1 more transcripts); c.-299C>G (NM_001318492.2); short protein forms L42V.
Identifiers: ClinVar variation 3391263 (VCV003391263.1).
Genomic context (GRCh38, chr11:119,018,919, plus strand): 5'-TACGCGCCACGGGCTGAGGCTGAGAAAACTTTCAGTTATCCGCTGGATCTGCTGCTCAAG[C>G]TACACGATGAGCGTGTGTTGGTTGCTTTCGGCCAGCGGGACGGCATCCGAGGTGGGCTAG-3'
Protein context (NP_057230.1, residues 32-52): FSYPLDLLLK[Leu42Val]HDERVLVAFG